The following is an entry in ClinVar:

ClinVar aggregate classification (germline): Uncertain significance. Review status: criteria provided, multiple submitters, no conflicts (2 of 4 stars). 2 submissions from 2 submitters: Uncertain significance (2). Last evaluated 2025-12-29.

Conditions:
DICER1-related tumor predisposition. Also called: DICER1-related pleuropulmonary blastoma cancer predisposition syndrome; DICER1 syndrome. Identifiers: Orphanet 284343, MedGen C3839822, MONDO:0100216.

Submissions (2):

Center for Genomic Medicine, Rigshospitalet, Copenhagen University Hospital
Classification: Uncertain significance. Last evaluated: 2025-12-29. Review status: criteria provided, single submitter. Criteria: ACMG Guidelines, 2015. Collection method: clinical testing. Allele origin: germline.
Comment: Classification criteria: PM2_supporting, BP4

Labcorp Genetics (formerly Invitae), Labcorp
Classification: Uncertain significance for DICER1-related tumor predisposition. Last evaluated: 2025-09-07. Review status: criteria provided, single submitter. Criteria: Invitae Variant Classification Sherloc (09022015). Collection method: clinical testing. Allele origin: germline.
Comment: This sequence change replaces glutamic acid, which is acidic and polar, with lysine, which is basic and polar, at codon 1667 of the DICER1 protein (p.Glu1667Lys). This variant is not present in population databases (gnomAD no frequency). This variant has not been reported in the literature in individuals affected with DICER1-related conditions. Invitae Evidence Modeling of protein sequence and biophysical properties (such as structural, functional, and spatial information, amino acid conservation, physicochemical variation, residue mobility, and thermodynamic stability) indicates that this missense variant is not expected to disrupt DICER1 protein function with a negative predictive value of 95%. In summary, the available evidence is currently insufficient to determine the role of this variant in disease. Therefore, it has been classified as a Variant of Uncertain Significance.

NM_177438.3(DICER1):c.4999G>A (p.Glu1667Lys)

Gene: DICER1 (dicer 1, ribonuclease III; minus strand). Cytogenetic location: 14q32.13.
Variant type: single nucleotide variant.
Coding change: c.4999G>A on transcript NM_177438.3 (MANE Select); coding-DNA position 4999, G replaced by A.
Protein change: p.Glu1667Lys; replaces glutamic acid 1667 with lysine.
Molecular consequence: missense variant. On other transcripts: non-coding transcript variant (6).
Genome position (GRCh38, 1-based): chr14:95,095,921, C>T on the plus strand (G>A on the coding strand, the complement: DICER1 is on the minus strand). VCF-style: chr14-95095921-C-T. GRCh37 (hg19) VCF-style: chr14-95562258-C-T.
Other names: c.4999G>A, p.Glu1667Lys (NM_001195573.1, NM_001271282.3, NM_001291628.2 and 12 more transcripts); c.4717G>A, p.Glu1573Lys (NM_001395686.1); c.4594G>A, p.Glu1532Lys (NM_001395687.1, NM_001395688.1, NM_001395689.1 and 2 more transcripts); c.4432G>A, p.Glu1478Lys (NM_001395691.1); c.3316G>A, p.Glu1106Lys (NM_001395697.1); short protein forms E1106K, E1478K, E1532K, E1573K, E1667K.
Identifiers: ClinVar variation 4539128 (VCV004539128.2).